The following is an entry in ClinVar:

NM_000264.5(PTCH1):c.3792C>G (p.Phe1264Leu)

Gene: PTCH1 (patched 1; minus strand). Cytogenetic location: 9q22.32.
Variant type: single nucleotide variant.
Coding change: c.3792C>G on transcript NM_000264.5 (MANE Select); coding-DNA position 3792, C replaced by G.
Protein change: p.Phe1264Leu; replaces phenylalanine 1264 with leucine.
Molecular consequence: missense variant. On other transcripts: non-coding transcript variant (1).
Genome position (GRCh38, 1-based): chr9:95,449,081, G>C on the plus strand (C>G on the coding strand, the complement: PTCH1 is on the minus strand). VCF-style: chr9-95449081-G-C. GRCh37 (hg19) VCF-style: chr9-98211363-G-C.
Other names: c.3594C>G, p.Phe1198Leu (NM_001083602.3); c.3789C>G, p.Phe1263Leu (NM_001083603.3); c.3339C>G, p.Phe1113Leu (NM_001083604.3, NM_001083605.3, NM_001083606.3 and 1 more transcripts); c.3636C>G, p.Phe1212Leu (NM_001354918.2); short protein forms F1198L, F1113L, F1263L, F1264L, F1212L.
Identifiers: ClinVar variation 1415653 (VCV001415653.9), dbSNP rs144312968, ClinGen allele CA374110925.

ClinVar aggregate classification (germline): Uncertain significance. Review status: criteria provided, multiple submitters, no conflicts (2 of 4 stars). 2 submissions from 2 submitters: Uncertain significance (2). Last evaluated 2024-08-27.

Conditions:
Gorlin syndrome. Also called: Nevoid Basal Cell Carcinoma Syndrome; Basal cell nevus syndrome. Identifiers: Orphanet 377, MedGen C0004779, MONDO:0007187.
Hereditary cancer-predisposing syndrome. Also called: Hereditary neoplastic syndrome; Neoplastic Syndromes, Hereditary; Hereditary Cancer Syndrome; Tumor predisposition. Identifiers: Orphanet 140162, MedGen C0027672, MeSH D009386, MONDO:0015356.

gnomAD v4.1: 1 of 1,614,216 alleles (0.000062%); highest among the groups gnomAD compares: Non-Finnish European, 0.000085%; no homozygotes.

Submissions (2):

Ambry Genetics
Classification: Uncertain significance for Hereditary cancer-predisposing syndrome. Last evaluated: 2024-08-27. Review status: criteria provided, single submitter. Criteria: Ambry Variant Classification Scheme 2023. Collection method: clinical testing. Allele origin: germline.
Comment: The p.F1264L variant (also known as c.3792C>G), located in coding exon 22 of the PTCH1 gene, results from a C to G substitution at nucleotide position 3792. The phenylalanine at codon 1264 is replaced by leucine, an amino acid with highly similar properties. This amino acid position is highly conserved in available vertebrate species. In addition, this alteration is predicted to be deleterious by in silico analysis. Since supporting evidence is limited at this time, the clinical significance of this alteration remains unclear.

Labcorp Genetics (formerly Invitae), Labcorp
Classification: Uncertain significance for Gorlin syndrome. Last evaluated: 2023-03-04. Review status: criteria provided, single submitter. Criteria: Invitae Variant Classification Sherloc (09022015). Collection method: clinical testing. Allele origin: germline.
Comment: In summary, the available evidence is currently insufficient to determine the role of this variant in disease. Therefore, it has been classified as a Variant of Uncertain Significance. Advanced modeling of protein sequence and biophysical properties (such as structural, functional, and spatial information, amino acid conservation, physicochemical variation, residue mobility, and thermodynamic stability) performed at Invitae indicates that this missense variant is not expected to disrupt PTCH1 protein function. ClinVar contains an entry for this variant (Variation ID: 1415653). This variant has not been reported in the literature in individuals affected with PTCH1-related conditions. This variant is not present in population databases (gnomAD no frequency). This sequence change replaces phenylalanine, which is neutral and non-polar, with leucine, which is neutral and non-polar, at codon 1264 of the PTCH1 protein (p.Phe1264Leu).